The following is an entry in ClinVar:

ClinVar aggregate classification (germline): Uncertain significance (1 of 4 stars; one submission).

Conditions:
Hermansky-Pudlak syndrome 2 (HPS2). Also called: Platelet defects and oculocutaneous albinism. Identifiers: Orphanet 183678, Orphanet 79430, MedGen C1842362, MONDO:0011997, OMIM 608233.

Allele frequency attached by ClinVar (database versions not stated): ExAC 0.00001; gnomAD exomes 0.00001.
gnomAD v4.1: 3 of 1,614,072 alleles (0.00019%); highest among the groups gnomAD compares: South Asian, 0.0033%; no homozygotes.

Submission:

Labcorp Genetics (formerly Invitae), Labcorp
Classification: Uncertain significance for Hermansky-Pudlak syndrome 2. Last evaluated: 2022-04-12. Review status: criteria provided, single submitter. Criteria: Invitae Variant Classification Sherloc (09022015). Collection method: clinical testing. Allele origin: germline.
Comment: In summary, the available evidence is currently insufficient to determine the role of this variant in disease. Therefore, it has been classified as a Variant of Uncertain Significance. This sequence change replaces cysteine, which is neutral and slightly polar, with arginine, which is basic and polar, at codon 448 of the AP3B1 protein (p.Cys448Arg). This variant is present in population databases (rs768670539, gnomAD 0.006%). This variant has not been reported in the literature in individuals affected with AP3B1-related conditions. Algorithms developed to predict the effect of missense changes on protein structure and function (SIFT, PolyPhen-2, Align-GVGD) all suggest that this variant is likely to be tolerated.

NM_003664.5(AP3B1):c.1342T>C (p.Cys448Arg)

Gene: AP3B1 (adaptor related protein complex 3 subunit beta 1; minus strand). Cytogenetic location: 5q14.1.
Variant type: single nucleotide variant.
Coding change: c.1342T>C on transcript NM_003664.5 (MANE Select); coding-DNA position 1342, T replaced by C.
Protein change: p.Cys448Arg; replaces cysteine 448 with arginine.
Molecular consequence: missense variant.
Genome position (GRCh38, 1-based): chr5:78,162,840, A>G on the plus strand (T>C on the coding strand, the complement: AP3B1 is on the minus strand). VCF-style: chr5-78162840-A-G. GRCh37 (hg19) VCF-style: chr5-77458664-A-G.
Other names: c.1195T>C, p.Cys399Arg (NM_001271769.2); c.1342T>C, p.Cys448Arg (NM_001410752.1); short protein forms C399R, C448R.
Identifiers: ClinVar variation 2097506 (VCV002097506.4), dbSNP rs768670539, ClinGen allele CA3317093.